The following is an entry in ClinVar:

NM_001253852.3(AP4B1):c.618-13G>C

Genes: AP4B1 (adaptor related protein complex 4 subunit beta 1; minus strand), AP4B1-AS1 (AP4B1 antisense RNA 1; plus strand). Cytogenetic location: 1p13.2.
Variant type: single nucleotide variant.
Coding change: c.618-13G>C on transcript NM_001253852.3 (MANE Select); 13 bases into the intron before coding-DNA position 618, G replaced by C.
Molecular consequence: intron variant. On other transcripts: non-coding transcript variant (2).
Genome position (GRCh38, 1-based): chr1:113,900,413, C>G on the plus strand (G>C on the coding strand, the complement: AP4B1 is on the minus strand). VCF-style: chr1-113900413-C-G. GRCh37 (hg19) VCF-style: chr1-114443035-C-G.
Other names: c.321-13G>C (NM_001253853.3); c.618-13G>C (NM_006594.5); c.114-13G>C (NM_001308312.2).
Identifiers: ClinVar variation 157725 (VCV000157725.22), dbSNP rs3789613, ClinGen allele CA171117.

ClinVar aggregate classification (germline): Benign/Likely benign. Review status: criteria provided, multiple submitters, no conflicts (2 of 4 stars). 8 submissions from 8 submitters: Benign (4); Likely benign (2). 2 of the submissions do not count toward it. Last evaluated 2026-02-03.

Conditions:
Hereditary spastic paraplegia 47. Also called: adaptor protein 4 (AP-4) deficiency syndrome; Spastic paraplegia 47, autosomal recessive; CEREBRAL PALSY, SPASTIC QUADRIPLEGIC, 5. Identifiers: Orphanet 280763, MedGen C3279738, MONDO:0013551, OMIM 614066.

Allele frequency attached by ClinVar (database versions not stated): ESP Exome Variant Server 0.28694; gnomAD 0.31448 and 0.32121; TOPMed 0.32299; 1000 Genomes Project 30x 0.35759; 1000 Genomes Project 0.36562.
gnomAD v4.1: 579,240 of 1,610,424 alleles (36%); highest among the groups gnomAD compares: East Asian, 74%; 111,670 homozygotes.

Submissions (8):

Labcorp Genetics (formerly Invitae), Labcorp
Classification: Benign for Hereditary spastic paraplegia 47. Last evaluated: 2026-02-03. Review status: criteria provided, single submitter. Criteria: Invitae Variant Classification Sherloc (09022015). Collection method: clinical testing. Allele origin: germline.

Blueprint Genetics
Classification: Benign. Last evaluated: 2024-11-26. Review status: criteria provided, single submitter. Criteria: ACMG Guidelines, 2015. Collection method: clinical testing. Allele origin: germline.

Genome-Nilou Lab
Classification: Benign for Hereditary spastic paraplegia 47. Last evaluated: 2021-07-14. Review status: criteria provided, single submitter. Criteria: ACMG Guidelines, 2015. Collection method: clinical testing. Allele origin: germline. Affected: no.

GeneDx
Classification: Benign. Last evaluated: 2016-01-22. Review status: criteria provided, single submitter. Criteria: GeneDx Variant Classification (06012015). Collection method: clinical testing. Allele origin: germline. Affected: yes.
Comment: This variant is considered likely benign or benign based on one or more of the following criteria: it is a conservative change, it occurs at a poorly conserved position in the protein, it is predicted to be benign by multiple in silico algorithms, and/or has population frequency not consistent with disease.

Genetic Services Laboratory, University of Chicago
Classification: Likely benign. Last evaluated: 2012-12-13. Review status: criteria provided, single submitter. Criteria: ACMG Guidelines, 2007. Collection method: clinical testing. Allele origin: germline. Inheritance: Autosomal recessive inheritance.
Comment: Likely benign based on allele frequency in 1000 Genomes Project or ESP global frequency and its presence in a patient with a rare or unrelated disease phenotype. NOT Sanger confirmed

Breakthrough Genomics
Classification: Likely benign. Review status: criteria provided, single submitter. Criteria: ACMG Guidelines, 2015. Collection method: not provided. Allele origin: germline. Inheritance: Autosomal recessive inheritance. Affected: yes.

Diagnostic Laboratory, Department of Genetics, University Medical Center Groningen
Classification: Benign. Review status: no assertion criteria provided. Collection method: clinical testing. Allele origin: germline. Affected: yes. Study: VKGL Data-share Consensus. Not counted in ClinVar's aggregate classification.

Joint Genome Diagnostic Labs from Nijmegen and Maastricht, Radboudumc and MUMC+
Classification: Benign. Review status: no assertion criteria provided. Collection method: clinical testing. Allele origin: germline. Affected: yes. Study: VKGL Data-share Consensus. Not counted in ClinVar's aggregate classification.